The following is an entry in ClinVar:

NM_003079.5(SMARCE1):c.777C>G (p.Phe259Leu)

Gene: SMARCE1 (SWI/SNF related BAF chromatin remodeling complex subunit E1; minus strand). Cytogenetic location: 17q21.2.
Variant type: single nucleotide variant.
Coding change: c.777C>G on transcript NM_003079.5 (MANE Select); coding-DNA position 777, C replaced by G.
Protein change: p.Phe259Leu; replaces phenylalanine 259 with leucine.
Molecular consequence: missense variant.
Genome position (GRCh38, 1-based): chr17:40,631,631, G>C on the plus strand (C>G on the coding strand, the complement: SMARCE1 is on the minus strand). VCF-style: chr17-40631631-G-C. GRCh37 (hg19) VCF-style: chr17-38787883-G-C.
Other names: short protein forms F259L.
Identifiers: ClinVar variation 3671034 (VCV003671034.2).

ClinVar aggregate classification (germline): Uncertain significance (1 of 4 stars; one submission).

Conditions:
Familial meningioma. Also called: Meningioma, familial, susceptibility to. Identifiers: Orphanet 263662, MedGen C3551915, MONDO:0011789, OMIM 607174.

Submission:

Labcorp Genetics (formerly Invitae), Labcorp
Classification: Uncertain significance for Familial meningioma. Last evaluated: 2024-05-31. Review status: criteria provided, single submitter. Criteria: Invitae Variant Classification Sherloc (09022015). Collection method: clinical testing. Allele origin: germline.
Comment: This sequence change replaces phenylalanine, which is neutral and non-polar, with leucine, which is neutral and non-polar, at codon 259 of the SMARCE1 protein (p.Phe259Leu). This variant is not present in population databases (gnomAD no frequency). This variant has not been reported in the literature in individuals affected with SMARCE1-related conditions. Advanced modeling of protein sequence and biophysical properties (such as structural, functional, and spatial information, amino acid conservation, physicochemical variation, residue mobility, and thermodynamic stability) has been performed at Invitae for this missense variant, however the output from this modeling did not meet the statistical confidence thresholds required to predict the impact of this variant on SMARCE1 protein function. In summary, the available evidence is currently insufficient to determine the role of this variant in disease. Therefore, it has been classified as a Variant of Uncertain Significance.